The following is an entry in ClinVar:

NM_000481.4(AMT):c.962T>C (p.Val321Ala)

Gene: AMT (aminomethyltransferase; minus strand). Cytogenetic location: 3p21.31.
Variant type: single nucleotide variant.
Coding change: c.962T>C on transcript NM_000481.4 (MANE Select); coding-DNA position 962, T replaced by C.
Protein change: p.Val321Ala; replaces valine 321 with alanine.
Molecular consequence: missense variant. On other transcripts: non-coding transcript variant (1).
Genome position (GRCh38, 1-based): chr3:49,417,889, A>G on the plus strand (T>C on the coding strand, the complement: AMT is on the minus strand). VCF-style: chr3-49417889-A-G. GRCh37 (hg19) VCF-style: chr3-49455322-A-G.
Other names: c.830T>C, p.Val277Ala (NM_001164710.2); c.794T>C, p.Val265Ala (NM_001164711.2); c.962T>C, p.Val321Ala (NM_001164712.2); short protein forms V265A, V277A, V321A.
Identifiers: ClinVar variation 649142 (VCV000649142.7), dbSNP rs766509002, ClinGen allele CA2398192.

ClinVar aggregate classification (germline): Uncertain significance. Review status: criteria provided, single submitter (1 of 4 stars). 2 submissions from 2 submitters: Uncertain significance (1). 1 of the submissions does not count toward it. Last evaluated 2022-08-01.

Conditions:
Glycine encephalopathy. Also called: Non-ketotic hyperglycinemia; Nonketotic hyperglycinemia. Identifiers: Orphanet 407, MedGen C0751748, MONDO:0011612, HP:0008288.

Allele frequency attached by ClinVar (database versions not stated): ExAC 0.00002; gnomAD exomes 0.00002 and 0.00004; TOPMed 0.00002.
gnomAD v4.1: 13 of 1,613,924 alleles (0.00081%); highest among the groups gnomAD compares: Admixed American, 0.022%; no homozygotes.

Submissions (2):

Labcorp Genetics (formerly Invitae), Labcorp
Classification: Uncertain significance for Glycine encephalopathy. Last evaluated: 2022-08-01. Review status: criteria provided, single submitter. Criteria: Invitae Variant Classification Sherloc (09022015). Collection method: clinical testing. Allele origin: germline.
Comment: This sequence change replaces valine, which is neutral and non-polar, with alanine, which is neutral and non-polar, at codon 321 of the AMT protein (p.Val321Ala). This variant is present in population databases (rs766509002, gnomAD 0.03%). This variant has not been reported in the literature in individuals affected with AMT-related conditions. ClinVar contains an entry for this variant (Variation ID: 649142). Algorithms developed to predict the effect of missense changes on protein structure and function (SIFT, PolyPhen-2, Align-GVGD) all suggest that this variant is likely to be disruptive. In summary, the available evidence is currently insufficient to determine the role of this variant in disease. Therefore, it has been classified as a Variant of Uncertain Significance.

Natera, Inc.
Classification: Uncertain significance for Non-ketotic hyperglycinemia. Last evaluated: 2020-09-22. Review status: no assertion criteria provided. Collection method: clinical testing. Allele origin: germline. Not counted in ClinVar's aggregate classification.